The following is an entry in ClinVar:

ClinVar aggregate classification (germline): Uncertain significance (1 of 4 stars; one submission).

Submission:

Ambry Genetics
Classification: Uncertain significance. Last evaluated: 2025-01-27. Review status: criteria provided, single submitter. Criteria: Ambry Variant Classification Scheme 2023. Collection method: clinical testing. Allele origin: germline.
Comment: The p.A206S variant (also known as c.616G>T), located in coding exon 3 of the GFI1 gene, results from a G to T substitution at nucleotide position 616. The alanine at codon 206 is replaced by serine, an amino acid with similar properties. This amino acid position is conserved. In addition, this alteration is predicted to be tolerated by in silico analysis. Based on the available evidence, the clinical significance of this variant remains unclear.

NM_005263.5(GFI1):c.616G>T (p.Ala206Ser)

Gene: GFI1 (growth factor independent 1 transcriptional repressor; minus strand). Cytogenetic location: 1p22.1.
Variant type: single nucleotide variant.
Coding change: c.616G>T on transcript NM_005263.5 (MANE Select); coding-DNA position 616, G replaced by T.
Protein change: p.Ala206Ser; replaces alanine 206 with serine.
Molecular consequence: missense variant.
Genome position (GRCh38, 1-based): chr1:92,480,771, C>A on the plus strand (G>T on the coding strand, the complement: GFI1 is on the minus strand). VCF-style: chr1-92480771-C-A. GRCh37 (hg19) VCF-style: chr1-92946328-C-A.
Other names: c.616G>T, p.Ala206Ser (NM_001127215.3, NM_001127216.3); short protein forms A206S.
Identifiers: ClinVar variation 3853702 (VCV003853702.1).
Genomic context (GRCh38, chr1:92,480,771, plus strand): 5'-CACGCTCGGGGTACAGCAAGCCCGCCGCTGCCGTGGGCCTCTCATACAGCCCGGCTGCCG[C>A]AGACCCGAAGTCGCCGTAGAGCCCTAGGCCAGGGCCAGCGGTGGCACCGGCCCCTGCGCT-3'
Protein context (NP_005254.2, residues 196-216): GLGLYGDFGS[Ala206Ser]AAGLYERPTA